The following is an entry in ClinVar:

NM_000834.5(GRIN2B):c.1871A>G (p.Lys624Arg)

Gene: GRIN2B (glutamate ionotropic receptor NMDA type subunit 2B; minus strand). Cytogenetic location: 12p13.1.
Variant type: single nucleotide variant.
Coding change: c.1871A>G on transcript NM_000834.5 (MANE Select); coding-DNA position 1871, A replaced by G.
Protein change: p.Lys624Arg; replaces lysine 624 with arginine.
Molecular consequence: missense variant.
Genome position (GRCh38, 1-based): chr12:13,608,742, T>C on the plus strand (A>G on the coding strand, the complement: GRIN2B is on the minus strand). VCF-style: chr12-13608742-T-C. GRCh37 (hg19) VCF-style: chr12-13761676-T-C.
Other names: c.1871A>G (NM_000834.3); short protein forms K624R.
Identifiers: ClinVar variation 1488389 (VCV001488389.9), dbSNP rs2136470409, ClinGen allele CA384051163.

ClinVar aggregate classification (germline): Uncertain significance. Review status: criteria provided, multiple submitters, no conflicts (2 of 4 stars). 2 submissions from 2 submitters: Uncertain significance (2). Last evaluated 2023-04-18.

Conditions:
Intellectual developmental disorder, autosomal dominant 6, with or without seizures. Also called: Intellectual disability, autosomal dominant 6; GRIN2B-related developmental delay, intellectual disability and autism spectrum disorder. Identifiers: Orphanet 589547, MedGen C3151411, MONDO:0013509, OMIM 613970.
Developmental and epileptic encephalopathy, 27 (DEE27). Also called: Epileptic encephalopathy, early infantile, 27; GRIN2B-Related Neurodevelopmental Disorder. Identifiers: Orphanet 3451, MedGen C4015316, MONDO:0014505, OMIM 616139.

Submissions (2):

GeneDx
Classification: Uncertain significance. Last evaluated: 2023-04-18. Review status: criteria provided, single submitter. Criteria: GeneDx Variant Classification Process June 2021. Collection method: clinical testing. Allele origin: germline. Affected: yes.
Comment: Not observed at significant frequency in large population cohorts (gnomAD); In silico analysis supports that this missense variant has a deleterious effect on protein structure/function; Has not been previously published as pathogenic or benign to our knowledge

Labcorp Genetics (formerly Invitae), Labcorp
Classification: Uncertain significance for Developmental and epileptic encephalopathy, 27; Intellectual developmental disorder, autosomal dominant 6, with or without seizures. Last evaluated: 2021-03-17. Review status: criteria provided, single submitter. Criteria: Invitae Variant Classification Sherloc (09022015). Collection method: clinical testing. Allele origin: germline.
Comment: In summary, the available evidence is currently insufficient to determine the role of this variant in disease. Therefore, it has been classified as a Variant of Uncertain Significance. Algorithms developed to predict the effect of missense changes on protein structure and function (SIFT, PolyPhen-2, Align-GVGD) all suggest that this variant is likely to be tolerated, but these predictions have not been confirmed by published functional studies and their clinical significance is uncertain. This variant has not been reported in the literature in individuals with GRIN2B-related conditions. This variant is not present in population databases (ExAC no frequency). This sequence change replaces lysine with arginine at codon 624 of the GRIN2B protein (p.Lys624Arg). The lysine residue is highly conserved and there is a small physicochemical difference between lysine and arginine.